The following is an entry in ClinVar:

ClinVar aggregate classification (germline): Uncertain significance (1 of 4 stars; one submission).

Submission:

Labcorp Genetics (formerly Invitae), Labcorp
Classification: Uncertain significance. Last evaluated: 2024-04-08. Review status: criteria provided, single submitter. Criteria: Invitae Variant Classification Sherloc (09022015). Collection method: clinical testing. Allele origin: germline.
Comment: This sequence change replaces valine, which is neutral and non-polar, with methionine, which is neutral and non-polar, at codon 11 of the MBTPS2 protein (p.Val11Met). This variant is not present in population databases (gnomAD no frequency). This variant has not been reported in the literature in individuals affected with MBTPS2-related conditions. Algorithms developed to predict the effect of missense changes on protein structure and function output the following: SIFT: "Not Available"; PolyPhen-2: "Benign"; Align-GVGD: "Not Available". The methionine amino acid residue is found in multiple mammalian species, which suggests that this missense change does not adversely affect protein function. In summary, the available evidence is currently insufficient to determine the role of this variant in disease. Therefore, it has been classified as a Variant of Uncertain Significance.

NM_015884.4(MBTPS2):c.31G>A (p.Val11Met)

Gene: MBTPS2 (membrane bound transcription factor peptidase, site 2; plus strand). Cytogenetic location: Xp22.12.
Variant type: single nucleotide variant.
Coding change: c.31G>A on transcript NM_015884.4 (MANE Select); coding-DNA position 31, G replaced by A.
Protein change: p.Val11Met; replaces valine 11 with methionine.
Molecular consequence: missense variant.
Genome position (GRCh38, 1-based): chrX:21,839,765, G>A. VCF-style: chrX-21839765-G-A. GRCh37 (hg19) VCF-style: chrX-21857883-G-A.
Other names: short protein forms V11M.
Identifiers: ClinVar variation 2704996 (VCV002704996.3), dbSNP rs2519552003, ClinGen allele CA412561238.